The following is an entry in ClinVar:

NM_019892.6(INPP5E):c.1364C>A (p.Thr455Asn)

Gene: INPP5E (inositol polyphosphate-5-phosphatase E; minus strand). Cytogenetic location: 9q34.3.
Variant type: single nucleotide variant.
Coding change: c.1364C>A on transcript NM_019892.6 (MANE Select); coding-DNA position 1364, C replaced by A.
Protein change: p.Thr455Asn; replaces threonine 455 with asparagine.
Molecular consequence: missense variant.
Genome position (GRCh38, 1-based): chr9:136,432,502, G>T on the plus strand (C>A on the coding strand, the complement: INPP5E is on the minus strand). VCF-style: chr9-136432502-G-T. GRCh37 (hg19) VCF-style: chr9-139326954-G-T.
Other names: c.1361C>A, p.Thr454Asn (NM_001318502.2); short protein forms T455N, T454N.
Identifiers: ClinVar variation 1361596 (VCV001361596.8), dbSNP rs763184550, ClinGen allele CA5336836.

ClinVar aggregate classification (germline): Uncertain significance (1 of 4 stars; one submission).

Conditions:
Joubert syndrome. Also called: CEREBELLOPARENCHYMAL DISORDER IV; JOUBERT-BOLTSHAUSER SYNDROME; Familial aplasia of the vermis. Identifiers: Orphanet 475, MedGen C5979921, MONDO:0018772.

Submission:

Labcorp Genetics (formerly Invitae), Labcorp
Classification: Uncertain significance for Joubert syndrome. Last evaluated: 2022-07-12. Review status: criteria provided, single submitter. Criteria: Invitae Variant Classification Sherloc (09022015). Collection method: clinical testing. Allele origin: germline.
Comment: In summary, the available evidence is currently insufficient to determine the role of this variant in disease. Therefore, it has been classified as a Variant of Uncertain Significance. Algorithms developed to predict the effect of missense changes on protein structure and function (SIFT, PolyPhen-2, Align-GVGD) all suggest that this variant is likely to be tolerated. ClinVar contains an entry for this variant (Variation ID: 1361596). This variant has not been reported in the literature in individuals affected with INPP5E-related conditions. This variant is not present in population databases (gnomAD no frequency). This sequence change replaces threonine, which is neutral and polar, with asparagine, which is neutral and polar, at codon 455 of the INPP5E protein (p.Thr455Asn).